The following is an entry in ClinVar:

NM_032578.4(MYPN):c.1600+223C>T

Gene: MYPN (myopalladin; plus strand). Cytogenetic location: 10q21.3.
Variant type: single nucleotide variant.
Coding change: c.1600+223C>T on transcript NM_032578.4 (MANE Select); 223 bases into the intron after coding-DNA position 1600, C replaced by T.
Molecular consequence: intron variant.
Genome position (GRCh38, 1-based): chr10:68,166,041, C>T. VCF-style: chr10-68166041-C-T. GRCh37 (hg19) VCF-style: chr10-69925798-C-T.
Other names: c.1600+223C>T (NM_001256267.2); c.718+223C>T (NM_001256268.2).
Identifiers: ClinVar variation 678607 (VCV000678607.1), dbSNP rs2634710, ClinGen allele CA13291593.

ClinVar aggregate classification (germline): Benign (1 of 4 stars; one submission).

Allele frequency attached by ClinVar (database versions not stated): 1000 Genomes Project 0.03674; 1000 Genomes Project 30x 0.03873; gnomAD 0.03921 and 0.04104; TOPMed 0.04236.
gnomAD v4.1: 5,926 of 152,300 alleles (3.9%); highest among the groups gnomAD compares: African/African-American, 10%; 261 homozygotes.

Submission:

GeneDx
Classification: Benign. Last evaluated: 2018-06-14. Review status: criteria provided, single submitter. Criteria: GeneDx Variant Classification (06012015). Collection method: clinical testing. Allele origin: germline. Affected: yes.
Comment: This variant is considered likely benign or benign based on one or more of the following criteria: it is a conservative change, it occurs at a poorly conserved position in the protein, it is predicted to be benign by multiple in silico algorithms, and/or has population frequency not consistent with disease.